The following is an entry in ClinVar:

ClinVar aggregate classification (germline): Uncertain significance (1 of 4 stars; one submission).

Allele frequency attached by ClinVar (database versions not stated): gnomAD exomes 0.00001.
gnomAD v4.1: 9 of 1,613,758 alleles (0.00056%); highest among the groups gnomAD compares: Non-Finnish European, 0.00076%; no homozygotes.

Submission:

Labcorp Genetics (formerly Invitae), Labcorp
Classification: Uncertain significance. Last evaluated: 2022-09-29. Review status: criteria provided, single submitter. Criteria: Invitae Variant Classification Sherloc (09022015). Collection method: clinical testing. Allele origin: germline.
Comment: In summary, the available evidence is currently insufficient to determine the role of this variant in disease. Therefore, it has been classified as a Variant of Uncertain Significance. Advanced modeling of protein sequence and biophysical properties (such as structural, functional, and spatial information, amino acid conservation, physicochemical variation, residue mobility, and thermodynamic stability) performed at Invitae indicates that this missense variant is not expected to disrupt LRP5 protein function. This variant has not been reported in the literature in individuals affected with LRP5-related conditions. This variant is not present in population databases (gnomAD no frequency). This sequence change replaces methionine, which is neutral and non-polar, with isoleucine, which is neutral and non-polar, at codon 797 of the LRP5 protein (p.Met797Ile).

NM_002335.4(LRP5):c.2391G>A (p.Met797Ile)

Gene: LRP5 (LDL receptor related protein 5; plus strand). Cytogenetic location: 11q13.2.
Variant type: single nucleotide variant.
Coding change: c.2391G>A on transcript NM_002335.4 (MANE Select); coding-DNA position 2391, G replaced by A.
Protein change: p.Met797Ile; replaces methionine 797 with isoleucine.
Molecular consequence: missense variant.
Genome position (GRCh38, 1-based): chr11:68,411,508, G>A. VCF-style: chr11-68411508-G-A. GRCh37 (hg19) VCF-style: chr11-68178976-G-A.
Other names: c.648G>A, p.Met216Ile (NM_001291902.2); short protein forms M216I, M797I.
Identifiers: ClinVar variation 1973580 (VCV001973580.5), dbSNP rs2098659501, ClinGen allele CA381617053.
Genomic context (GRCh38, chr11:68,411,508, plus strand): 5'-GACCGAGTGGGGCGGCAAGCCGAGGATCGTGCGGGCCTTCATGGACGGGACCAACTGCAT[G>A]ACGCTGGTGGACAAGGTGGGCCGGGCCAACGACCTCACCATTGACTACGCTGACCAGCGC-3'
Protein context (NP_002326.2, residues 787-807): VRAFMDGTNC[Met797Ile]TLVDKVGRAN